The following is an entry in ClinVar:

NM_000501.4(ELN):c.1652C>T (p.Pro551Leu)

Genes: ELN (elastin; plus strand), ELN-AS1 (ELN antisense RNA 1; minus strand). Cytogenetic location: 7q11.23.
Variant type: single nucleotide variant.
Coding change: c.1652C>T on transcript NM_000501.4 (MANE Select); coding-DNA position 1652, C replaced by T.
Protein change: p.Pro551Leu; replaces proline 551 with leucine.
Molecular consequence: missense variant.
Genome position (GRCh38, 1-based): chr7:74,060,406, C>T. VCF-style: chr7-74060406-C-T. GRCh37 (hg19) VCF-style: chr7-73474736-C-T.
Other names: c.1565C>T, p.Pro522Leu (NM_001081752.3); c.1610C>T, p.Pro537Leu (NM_001081753.3); c.1667C>T, p.Pro556Leu (NM_001081754.3); c.1595C>T, p.Pro532Leu (NM_001081755.3); c.1652C>T, p.Pro551Leu (NM_001278912.2); c.1409C>T, p.Pro470Leu (NM_001278913.2); c.1580C>T, p.Pro527Leu (NM_001278914.2); c.1670C>T, p.Pro557Leu (NM_001278915.2); and 4 more; short protein forms P462L, P527L, P532L, P557L, P470L, P522L, P537L, P541L.
Identifiers: ClinVar variation 3696148 (VCV003696148.2).
Genomic context (GRCh38, chr7:74,060,406, plus strand): 5'-GCTGTCGCCACCACTGCCCTCTGTCTGCAGGAGCTGCAGCTGGGCTTGGTGCTGGCATCC[C>T]TGGACTTGGAGTTGGTGTCGGCGTCCCTGGACTTGGAGTTGGTGCTGGTGTTCCTGGACT-3'
Protein context (NP_000492.2, residues 541-561): RAAAGLGAGI[Pro551Leu]GLGVGVGVPG

ClinVar aggregate classification (germline): Uncertain significance (1 of 4 stars; one submission).

Conditions:
Supravalvar aortic stenosis (SVAS). Also called: Supravalvar aortic stenosis, Eisenberg type. Identifiers: Orphanet 3193, MedGen C0003499, MONDO:0008504, OMIM 185500, HP:0004381.

gnomAD v4.1: 1 of 1,614,156 alleles (0.000062%); highest among the groups gnomAD compares: Non-Finnish European, 0.000085%; no homozygotes.

Submission:

Labcorp Genetics (formerly Invitae), Labcorp
Classification: Uncertain significance for Supravalvar aortic stenosis. Last evaluated: 2024-05-13. Review status: criteria provided, single submitter. Criteria: Invitae Variant Classification Sherloc (09022015). Collection method: clinical testing. Allele origin: germline.
Comment: This sequence change replaces proline, which is neutral and non-polar, with leucine, which is neutral and non-polar, at codon 580 of the ELN protein (p.Pro580Leu). This variant is not present in population databases (gnomAD no frequency). This variant has not been reported in the literature in individuals affected with ELN-related conditions. Advanced modeling of protein sequence and biophysical properties (such as structural, functional, and spatial information, amino acid conservation, physicochemical variation, residue mobility, and thermodynamic stability) performed at Invitae indicates that this missense variant is not expected to disrupt ELN protein function with a negative predictive value of 80%. In summary, the available evidence is currently insufficient to determine the role of this variant in disease. Therefore, it has been classified as a Variant of Uncertain Significance.